The following is an entry in ClinVar:

NM_014798.3(PLEKHM1):c.2642C>T (p.Pro881Leu)

Gene: PLEKHM1 (pleckstrin homology and RUN domain containing M1; minus strand). Cytogenetic location: 17q21.31.
Variant type: single nucleotide variant.
Coding change: c.2642C>T on transcript NM_014798.3 (MANE Select); coding-DNA position 2642, C replaced by T.
Protein change: p.Pro881Leu; replaces proline 881 with leucine.
Molecular consequence: missense variant. On other transcripts: non-coding transcript variant (2).
Genome position (GRCh38, 1-based): chr17:45,450,619, G>A on the plus strand (C>T on the coding strand, the complement: PLEKHM1 is on the minus strand). VCF-style: chr17-45450619-G-A. GRCh37 (hg19) VCF-style: chr17-43527985-G-A.
Other names: short protein forms P881L.
Identifiers: ClinVar variation 2647847 (VCV002647847.24), dbSNP rs941297306, ClinGen allele CA291058118.

ClinVar aggregate classification (germline): Likely benign (1 of 4 stars; one submission).

Allele frequency attached by ClinVar (database versions not stated): gnomAD 0.00003; TOPMed 0.00003.
gnomAD v4.1: 61 of 1,613,424 alleles (0.0038%); highest among the groups gnomAD compares: Non-Finnish European, 0.005%; no homozygotes.

Submission:

CeGaT Center for Human Genetics Tuebingen
Classification: Likely benign. Last evaluated: 2022-11-01. Review status: criteria provided, single submitter. Criteria: CeGaT Center For Human Genetics Tuebingen Variant Classification Criteria Version 2. Collection method: clinical testing. Allele origin: germline. Affected: yes. Observed: 1 variant allele.
Comment: PLEKHM1: BP4